The following is an entry in ClinVar:

Conditions:
Breast-ovarian cancer, familial, susceptibility to, 1 (BROVCA1). Also called: BRCA1 Hereditary Breast and Ovarian Cancer; OVARIAN CANCER, SUSCEPTIBILITY TO. Identifiers: Orphanet 145, MedGen C2676676, MONDO:0011450, OMIM 604370. Disease mechanism: loss of function.

Submission:

Brotman Baty Institute, University of Washington
No classification provided (evidence only). Condition: Breast-ovarian cancer, familial 1. Review status: no classification provided. Collection method: in vitro. Allele origin: not applicable. Functional consequence: functionally_normal.
ClinVar note: "not provided" was previously submitted as the classification for the variant. However, the classification appeared to be based only on an observation of functional data so it was converted to no classification on 2025-07-30.

NM_007294.4(BRCA1):c.5153-21T>C

Gene: BRCA1 (BRCA1 DNA repair associated; minus strand). Cytogenetic location: 17q21.31.
Variant type: single nucleotide variant.
Coding change: c.5153-21T>C on transcript NM_007294.4 (MANE Select); 21 bases into the intron before coding-DNA position 5153, T replaced by C.
Molecular consequence: intron variant.
Genome position (GRCh38, 1-based): chr17:43,063,394, A>G on the plus strand (T>C on the coding strand, the complement: BRCA1 is on the minus strand). VCF-style: chr17-43063394-A-G. GRCh37 (hg19) VCF-style: chr17-41215411-A-G.
Other names: c.1700-21T>C (NM_001408458.1, NM_001408461.1, NM_001408464.1 and 7 more transcripts); c.4262-21T>C (NM_001407967.1); c.4772-21T>C (NM_001407959.1); c.4886-21T>C (NM_001407931.1, NM_001407932.1, NM_001407928.1 and 4 more transcripts); c.5009-21T>C (NM_001407747.1, NM_001407745.1, NM_001407737.1 and 21 more transcripts); c.4769-21T>C (NM_001407962.1, NM_001407960.1); c.1340-21T>C (NM_001408512.1); c.1463-21T>C (NM_001408510.1); and 72 more.
Identifiers: ClinVar variation 865047 (VCV000865047.3), dbSNP rs2051877492, ClinGen allele CA916080091.